The following is an entry in ClinVar:

ClinVar aggregate classification (germline): Uncertain significance (1 of 4 stars; one submission).

Conditions:
Inborn genetic diseases. Identifiers: MedGen C0950123, MeSH D030342.

gnomAD v4.1: 1 of 1,613,696 alleles (0.000062%); no homozygotes.

Submission:

Ambry Genetics
Classification: Uncertain significance for Inborn genetic diseases. Last evaluated: 2026-08-08. Review status: criteria provided, single submitter. Criteria: Ambry Variant Classification Scheme 2023. Collection method: clinical testing. Allele origin: germline.
Comment: The p.G1014D variant (also known as c.3041G>A), located in coding exon 14 of the FANCM gene, results from a G to A substitution at nucleotide position 3041. The glycine at codon 1014 is replaced by aspartic acid, an amino acid with similar properties. This amino acid position is conserved. In addition, this alteration is predicted to be tolerated by in silico analysis. Based on the available evidence, the clinical significance of this variant remains unclear.

NM_020937.4(FANCM):c.3041G>A (p.Gly1014Asp)

Gene: FANCM (FA complementation group M; plus strand). Cytogenetic location: 14q21.2.
Variant type: single nucleotide variant.
Coding change: c.3041G>A on transcript NM_020937.4 (MANE Select); coding-DNA position 3041, G replaced by A.
Protein change: p.Gly1014Asp; replaces glycine 1014 with aspartic acid.
Molecular consequence: missense variant.
Genome position (GRCh38, 1-based): chr14:45,175,795, G>A. VCF-style: chr14-45175795-G-A. GRCh37 (hg19) VCF-style: chr14-45644998-G-A.
Other names: c.2963G>A, p.Gly988Asp (NM_001308133.2); short protein forms G1014D, G988D.
Identifiers: ClinVar variation 5036665 (VCV005036665.1).